The following is an entry in ClinVar:

ClinVar aggregate classification (germline): Conflicting classifications of pathogenicity. Review status: criteria provided, conflicting classifications (1 of 4 stars). 2 submissions from 2 submitters: Uncertain significance (1); Likely benign (1). Last evaluated 2024-07-16.

Conditions:
Cardiovascular phenotype. Identifiers: MedGen CN230736.

Allele frequency attached by ClinVar (database versions not stated): gnomAD exomes 0.00002; gnomAD 0.00003 and 0.00004; TOPMed 0.00003.
gnomAD v4.1: 5 of 1,520,474 alleles (0.00033%); highest among the groups gnomAD compares: African/African-American, 0.0069%; no homozygotes.

Submissions (2):

Ambry Genetics
Classification: Likely benign for Cardiovascular phenotype. Last evaluated: 2024-07-16. Review status: criteria provided, single submitter. Criteria: Ambry Variant Classification Scheme 2023. Collection method: clinical testing. Allele origin: germline.

Labcorp Genetics (formerly Invitae), Labcorp
Classification: Uncertain significance. Last evaluated: 2021-08-30. Review status: criteria provided, single submitter. Criteria: Invitae Variant Classification Sherloc (09022015). Collection method: clinical testing. Allele origin: germline.
Comment: This sequence change replaces arginine with lysine at codon 979 of the ZNF469 protein (p.Arg979Lys). The arginine residue is moderately conserved and there is a small physicochemical difference between arginine and lysine. The frequency data for this variant in the population databases is considered unreliable, as metrics indicate insufficient coverage at this position in the ExAC database. This variant has not been reported in the literature in individuals affected with ZNF469-related conditions. Algorithms developed to predict the effect of missense changes on protein structure and function output the following: SIFT: "Tolerated"; PolyPhen-2: "Benign"; Align-GVGD: "Class C0". The lysine amino acid residue is found in multiple mammalian species, which suggests that this missense change does not adversely affect protein function. In summary, the available evidence is currently insufficient to determine the role of this variant in disease. Therefore, it has been classified as a Variant of Uncertain Significance.

NM_001367624.2(ZNF469):c.2936G>A (p.Arg979Lys)

Gene: ZNF469 (zinc finger protein 469; plus strand). Cytogenetic location: 16q24.2.
Variant type: single nucleotide variant.
Coding change: c.2936G>A on transcript NM_001367624.2 (MANE Select); coding-DNA position 2936, G replaced by A.
Protein change: p.Arg979Lys; replaces arginine 979 with lysine.
Molecular consequence: missense variant.
Genome position (GRCh38, 1-based): chr16:88,430,406, G>A. VCF-style: chr16-88430406-G-A. GRCh37 (hg19) VCF-style: chr16-88496814-G-A.
Other names: NM_001127464.1:c.2936G>A; short protein forms R979K.
Identifiers: ClinVar variation 1495746 (VCV001495746.6), dbSNP rs990533400, ClinGen allele CA286374306.